The following is an entry in ClinVar:

NM_001032386.2(SUOX):c.823G>A (p.Val275Ile)

Gene: SUOX (sulfite oxidase; plus strand). Cytogenetic location: 12q13.2.
Variant type: single nucleotide variant.
Coding change: c.823G>A on transcript NM_001032386.2 (MANE Select); coding-DNA position 823, G replaced by A.
Protein change: p.Val275Ile; replaces valine 275 with isoleucine.
Molecular consequence: missense variant.
Genome position (GRCh38, 1-based): chr12:56,004,212, G>A. VCF-style: chr12-56004212-G-A. GRCh37 (hg19) VCF-style: chr12-56397996-G-A.
Other names: c.823G>A, p.Val275Ile (NM_000456.3, NM_001032387.2); c.823G>A (NM_000456.2); short protein forms V275I.
Identifiers: ClinVar variation 1018856 (VCV001018856.8), dbSNP rs1303573231, ClinGen allele CA385288210.

ClinVar aggregate classification (germline): Uncertain significance. Review status: criteria provided, multiple submitters, no conflicts (2 of 4 stars). 2 submissions from 2 submitters: Uncertain significance (2). Last evaluated 2025-05-28.

Conditions:
Inborn genetic diseases. Identifiers: MedGen C0950123, MeSH D030342.
Sulfite oxidase deficiency. Also called: Isolated sulfite oxidase deficiency. Identifiers: Orphanet 833, Orphanet 99731, MedGen C0268624, MONDO:0010089, OMIM 272300, HP:0003643.

Allele frequency attached by ClinVar (database versions not stated): gnomAD 0.00001; TOPMed 0.00001.

Submissions (2):

Ambry Genetics
Classification: Uncertain significance for Inborn genetic diseases. Last evaluated: 2025-05-28. Review status: criteria provided, single submitter. Criteria: Ambry Variant Classification Scheme 2023. Collection method: clinical testing. Allele origin: germline.

Labcorp Genetics (formerly Invitae), Labcorp
Classification: Uncertain significance for Sulfite oxidase deficiency. Last evaluated: 2022-07-05. Review status: criteria provided, single submitter. Criteria: Invitae Variant Classification Sherloc (09022015). Collection method: clinical testing. Allele origin: germline.
Comment: This sequence change replaces valine, which is neutral and non-polar, with isoleucine, which is neutral and non-polar, at codon 275 of the SUOX protein (p.Val275Ile). This variant is not present in population databases (gnomAD no frequency). This variant has not been reported in the literature in individuals affected with SUOX-related conditions. ClinVar contains an entry for this variant (Variation ID: 1018856). Algorithms developed to predict the effect of missense changes on protein structure and function output the following: SIFT: "Tolerated"; PolyPhen-2: "Benign"; Align-GVGD: "Class C0". The isoleucine amino acid residue is found in multiple mammalian species, which suggests that this missense change does not adversely affect protein function. In summary, the available evidence is currently insufficient to determine the role of this variant in disease. Therefore, it has been classified as a Variant of Uncertain Significance.